The following is an entry in ClinVar:

ClinVar aggregate classification (germline): Uncertain significance. Review status: criteria provided, multiple submitters, no conflicts (2 of 4 stars). 2 submissions from 2 submitters: Uncertain significance (2). Last evaluated 2023-10-18.

Conditions:
Tumor predisposition syndrome 3 (TPDS3). Also called: Glioma susceptibility 9; LONG TELOMERE SYNDROME, POT1-RELATED; POT1 Tumor Predisposition; Melanoma, cutaneous malignant, susceptibility to, 10. Identifiers: Orphanet 618, MedGen C4014476, MONDO:0014368, OMIM 615848.
Hereditary cancer-predisposing syndrome. Also called: Tumor predisposition; Neoplastic Syndromes, Hereditary; Hereditary Cancer Syndrome; Hereditary neoplastic syndrome. Identifiers: Orphanet 140162, MedGen C0027672, MeSH D009386, MONDO:0015356.

Allele frequency attached by ClinVar (database versions not stated): TOPMed below 0.00001.

Submissions (2):

Ambry Genetics
Classification: Uncertain significance for Hereditary cancer-predisposing syndrome. Last evaluated: 2023-10-18. Review status: criteria provided, single submitter. Criteria: Ambry Variant Classification Scheme 2023. Collection method: clinical testing. Allele origin: germline.
Comment: The p.P70S variant (also known as c.208C>T), located in coding exon 3 of the POT1 gene, results from a C to T substitution at nucleotide position 208. The proline at codon 70 is replaced by serine, an amino acid with similar properties. This amino acid position is highly conserved in available vertebrate species. In addition, this alteration is predicted to be deleterious by in silico analysis. Since supporting evidence is limited at this time, the clinical significance of this alteration remains unclear.

Labcorp Genetics (formerly Invitae), Labcorp
Classification: Uncertain significance for Tumor predisposition syndrome 3. Last evaluated: 2022-06-19. Review status: criteria provided, single submitter. Criteria: Invitae Variant Classification Sherloc (09022015). Collection method: clinical testing. Allele origin: germline.
Comment: In summary, the available evidence is currently insufficient to determine the role of this variant in disease. Therefore, it has been classified as a Variant of Uncertain Significance. Algorithms developed to predict the effect of missense changes on protein structure and function are either unavailable or do not agree on the potential impact of this missense change (SIFT: "Deleterious"; PolyPhen-2: "Probably Damaging"; Align-GVGD: "Class C0"). This variant has not been reported in the literature in individuals affected with POT1-related conditions. This variant is not present in population databases (gnomAD no frequency). This sequence change replaces proline, which is neutral and non-polar, with serine, which is neutral and polar, at codon 70 of the POT1 protein (p.Pro70Ser).

NM_015450.3(POT1):c.208C>T (p.Pro70Ser)

Gene: POT1 (protection of telomeres 1; minus strand). Cytogenetic location: 7q31.33.
Variant type: single nucleotide variant.
Coding change: c.208C>T on transcript NM_015450.3 (MANE Select); coding-DNA position 208, C replaced by T.
Protein change: p.Pro70Ser; replaces proline 70 with serine.
Molecular consequence: missense variant. On other transcripts: intron variant (1), non-coding transcript variant (3).
Genome position (GRCh38, 1-based): chr7:124,870,958, G>A on the plus strand (C>T on the coding strand, the complement: POT1 is on the minus strand). VCF-style: chr7-124870958-G-A. GRCh37 (hg19) VCF-style: chr7-124511012-G-A.
Other names: c.-138-7318C>T (NM_001042594.2); short protein forms P70S.
Identifiers: ClinVar variation 1785707 (VCV001785707.7), dbSNP rs1795852882, ClinGen allele CA369061440.